The following is an entry in ClinVar:

NM_003086.4(SNAPC4):c.2497C>T (p.Gln833Ter)

Gene: SNAPC4 (small nuclear RNA activating complex polypeptide 4; minus strand). Cytogenetic location: 9q34.3.
Variant type: single nucleotide variant.
Coding change: c.2497C>T on transcript NM_003086.4 (MANE Select); coding-DNA position 2497, C replaced by T.
Protein change: p.Gln833Ter; replaces glutamine 833 with a stop codon.
Molecular consequence: nonsense.
Genome position (GRCh38, 1-based): chr9:136,380,742, G>A on the plus strand (C>T on the coding strand, the complement: SNAPC4 is on the minus strand). VCF-style: chr9-136380742-G-A. GRCh37 (hg19) VCF-style: chr9-139275194-G-A.
Other names: NC_000009.11:g.139275194G>A; c.2497C>T, p.Gln833Ter (NM_001394201.1); c.2413C>T, p.Gln805Ter (NM_001394202.1, NM_001394203.1); short protein forms Q805*, Q833*.
Identifiers: ClinVar variation 4354095 (VCV004354095.2).
Genomic context (GRCh38, chr9:136,380,742, plus strand): 5'-ACTCCAACGCCGGGGCGGGCAGTGGCCATCCTCACTTCTCACCCCAAGTGCCTGCTACCT[G>A]CAGAAGATGAACTGGTGGGTCCCGAGCACCAGCCTGGGGCAGCCTGGGTGGCAGGGCCTT-3'

ClinVar aggregate classification (germline): Likely pathogenic (1 of 4 stars; one submission).

Conditions:
Neurodevelopmental disorder with motor regression, progressive spastic paraplegia, and oromotor dysfunction (NEDRSO). Identifiers: MedGen C5882695, MONDO:0957791, OMIM 620515.

gnomAD v4.1: 30 of 1,567,840 alleles (0.0019%); highest among the groups gnomAD compares: Non-Finnish European, 0.0025%; no homozygotes.

Submissions (2):

3billion
Classification: Likely pathogenic for Neurodevelopmental disorder with motor regression, progressive spastic paraplegia, and oromotor dysfunction. Last evaluated: 2025-07-21. Review status: criteria provided, single submitter. Criteria: ACMG Guidelines, 2015. Collection method: clinical testing. Allele origin: germline. Affected: yes.
Comment: The variant is observed at an extremely low frequency in the gnomAD v4.1.0 dataset (total allele frequency: 0.002%). Predicted Consequence/Location: Stop-gained (nonsense): predicted to result in a loss or disruption of normal protein function through nonsense-mediated decay (NMD) or protein truncation. Multiple pathogenic variants are reported downstream of the variant. In silico tools predict the variant to alter splicing and produce an abnormal transcript [SpliceAI: 0.87 (spliceogenicity >=0.2, non-spliceogenicity <0.1)]. Therefore, this variant is classified as Likely pathogenic according to the recommendation of ACMG/AMP guideline.

Dr. Peter K. Rogan Lab, Western University
No classification provided (evidence only). Condition: Sarcoma. Review status: no classification provided. Collection method: in vitro. Allele origin: not applicable. Functional consequence: skipped exon, retained intron. Not counted in ClinVar's aggregate classification.